The following is an entry in ClinVar:

ClinVar aggregate classification (germline): Uncertain significance. Review status: criteria provided, multiple submitters, no conflicts (2 of 4 stars). 2 submissions from 2 submitters: Uncertain significance (2). Last evaluated 2022-09-22.

Conditions:
Connective tissue disorder. Also called: Connective tissue disease. Identifiers: MedGen C0009782, MONDO:0003900.
Osteogenesis imperfecta type I (OI1). Also called: Lobstein disease; OI, TYPE I; OSTEOGENESIS IMPERFECTA TARDA; OSTEOGENESIS IMPERFECTA WITH BLUE SCLERAE; Lobstein's Disease; Classic Non-deforming Osteogenesis Imperfecta with Blue Sclerae. Identifiers: Orphanet 216796, Orphanet 666, MedGen C0023931, MONDO:0008146, OMIM 166200. Disease mechanism: loss of function.

Allele frequency attached by ClinVar (database versions not stated): gnomAD exomes below 0.00001.

Submissions (2):

Labcorp Genetics (formerly Invitae), Labcorp
Classification: Uncertain significance for Osteogenesis imperfecta type I. Last evaluated: 2022-09-22. Review status: criteria provided, single submitter. Criteria: Invitae Variant Classification Sherloc (09022015). Collection method: clinical testing. Allele origin: germline.
Comment: This sequence change replaces alanine, which is neutral and non-polar, with threonine, which is neutral and polar, at codon 463 of the COL1A1 protein (p.Ala463Thr). In summary, the available evidence is currently insufficient to determine the role of this variant in disease. Therefore, it has been classified as a Variant of Uncertain Significance. Advanced modeling of protein sequence and biophysical properties (such as structural, functional, and spatial information, amino acid conservation, physicochemical variation, residue mobility, and thermodynamic stability) performed at Invitae indicates that this missense variant is not expected to disrupt COL1A1 protein function. ClinVar contains an entry for this variant (Variation ID: 547226). This variant has not been reported in the literature in individuals affected with COL1A1-related conditions. This variant is not present in population databases (gnomAD no frequency).

Center for Human Genetics, Inc
Classification: Uncertain significance for Connective tissue disorder. Last evaluated: 2016-11-01. Review status: criteria provided, single submitter. Criteria: ACMG Guidelines, 2015. Collection method: clinical testing. Allele origin: germline. Affected: yes.

NM_000088.4(COL1A1):c.1387G>A (p.Ala463Thr)

Gene: COL1A1 (collagen type I alpha 1 chain; minus strand). Cytogenetic location: 17q21.33.
Variant type: single nucleotide variant.
Coding change: c.1387G>A on transcript NM_000088.4 (MANE Select); coding-DNA position 1387, G replaced by A.
Protein change: p.Ala463Thr; replaces alanine 463 with threonine.
Molecular consequence: missense variant.
Genome position (GRCh38, 1-based): chr17:50,194,795, C>T on the plus strand (G>A on the coding strand, the complement: COL1A1 is on the minus strand). VCF-style: chr17-50194795-C-T. GRCh37 (hg19) VCF-style: chr17-48272156-C-T.
Other names: short protein forms A463T.
Identifiers: ClinVar variation 547226 (VCV000547226.9), dbSNP rs1555573895, ClinGen allele CA400218410.